The following is an entry in ClinVar:

NM_001303256.3(MORC2):c.574C>T (p.Pro192Ser)

Gene: MORC2 (MORC family CW-type zinc finger 2; minus strand). Cytogenetic location: 22q12.2.
Variant type: single nucleotide variant.
Coding change: c.574C>T on transcript NM_001303256.3 (MANE Select); coding-DNA position 574, C replaced by T.
Protein change: p.Pro192Ser; replaces proline 192 with serine.
Molecular consequence: missense variant.
Genome position (GRCh38, 1-based): chr22:30,942,124, G>A on the plus strand (C>T on the coding strand, the complement: MORC2 is on the minus strand). VCF-style: chr22-30942124-G-A. GRCh37 (hg19) VCF-style: chr22-31338111-G-A.
Other names: c.574C>T, p.Pro192Ser (NM_001303257.2); c.388C>T, p.Pro130Ser (NM_014941.3); short protein forms P192S, P130S.
Identifiers: ClinVar variation 4751121 (VCV004751121.1).

ClinVar aggregate classification (germline): Uncertain significance (1 of 4 stars; one submission).

Conditions:
Charcot-Marie-Tooth disease axonal type 2Z. Also called: CHARCOT-MARIE-TOOTH DISEASE, AXONAL, AUTOSOMAL DOMINANT, TYPE 2Z; CHARCOT-MARIE-TOOTH NEUROPATHY, TYPE 2Z. Identifiers: Orphanet 466768, MedGen C5569025, MONDO:0014736, OMIM 616688.

gnomAD v4.1: 2 of 1,613,778 alleles (0.00012%); highest among the groups gnomAD compares: South Asian, 0.0011%; no homozygotes.

Submission:

Labcorp Genetics (formerly Invitae), Labcorp
Classification: Uncertain significance for Charcot-Marie-Tooth disease axonal type 2Z. Last evaluated: 2025-12-21. Review status: criteria provided, single submitter. Criteria: Invitae Variant Classification Sherloc (09022015). Collection method: clinical testing. Allele origin: germline.
Comment: This sequence change replaces proline, which is neutral and non-polar, with serine, which is neutral and polar, at codon 192 of the MORC2 protein (p.Pro192Ser). This variant is present in population databases (no rsID available, gnomAD 0.003%). This variant has not been reported in the literature in individuals affected with MORC2-related conditions. Invitae Evidence Modeling of protein sequence and biophysical properties (such as structural, functional, and spatial information, amino acid conservation, physicochemical variation, residue mobility, and thermodynamic stability) indicates that this missense variant is not expected to disrupt MORC2 protein function with a negative predictive value of 95%. In summary, the available evidence is currently insufficient to determine the role of this variant in disease. Therefore, it has been classified as a Variant of Uncertain Significance.